The following is an entry in ClinVar:

NM_007078.3(LDB3):c.2095-1G>A

Gene: LDB3 (LIM domain binding 3; plus strand). Cytogenetic location: 10q23.2.
Variant type: single nucleotide variant.
Coding change: c.2095-1G>A on transcript NM_007078.3 (MANE Select); the canonical splice acceptor site of the intron before coding-DNA position 2095, G replaced by A.
Molecular consequence: splice acceptor variant.
Genome position (GRCh38, 1-based): chr10:86,732,886, G>A. VCF-style: chr10-86732886-G-A. GRCh37 (hg19) VCF-style: chr10-88492643-G-A.
Other names: c.1906-1G>A (NM_001368064.1, NM_001368065.1); c.2110-1G>A (NM_001171610.2); c.1954-1G>A (NM_001368066.1); c.1765-1G>A (NM_001080114.2).
Identifiers: ClinVar variation 3360061 (VCV003360061.1).

ClinVar aggregate classification (germline): Uncertain significance (1 of 4 stars; one submission).

Submission:

GeneDx
Classification: Uncertain significance. Last evaluated: 2023-06-20. Review status: criteria provided, single submitter. Criteria: GeneDx Variant Classification Process June 2021. Collection method: clinical testing. Allele origin: germline. Affected: yes.
Comment: Canonical splice site variant in a gene for which loss of function is not an established mechanism of disease.; Not observed at significant frequency in large population cohorts (gnomAD); Reported using an alternate transcript of the gene; Has not been previously published as pathogenic or benign to our knowledge